The following is an entry in ClinVar:

ClinVar aggregate classification (germline): Uncertain significance (1 of 4 stars; one submission).

Conditions:
Emery-Dreifuss muscular dystrophy (EDMD). Also called: Scapuloperoneal syndrome, X-linked (formerly); Humeroperoneal neuromuscular disease, (formerly). Identifiers: Orphanet 261, MedGen C0410189, MONDO:0016830.

gnomAD v4.1: 1 of 1,614,238 alleles (0.000062%); highest among the groups gnomAD compares: East Asian, 0.0022%; no homozygotes.

Submission:

Labcorp Genetics (formerly Invitae), Labcorp
Classification: Uncertain significance for Emery-Dreifuss muscular dystrophy. Last evaluated: 2026-01-26. Review status: criteria provided, single submitter. Criteria: Invitae Variant Classification Sherloc (09022015). Collection method: clinical testing. Allele origin: germline.
Comment: This sequence change replaces threonine, which is neutral and polar, with isoleucine, which is neutral and non-polar, at codon 121 of the SUN1 protein (p.Thr121Ile). This variant is present in population databases (no rsID available, gnomAD 0.006%). This variant has not been reported in the literature in individuals affected with SUN1-related conditions. An algorithm developed to predict the effect of missense changes on protein structure and function (PolyPhen-2) suggests that this variant is likely to be tolerated. In summary, the available evidence is currently insufficient to determine the role of this variant in disease. Therefore, it has been classified as a Variant of Uncertain Significance.

NM_001130965.3(SUN1):c.362C>T (p.Thr121Ile)

Gene: SUN1 (Sad1 and UNC84 domain containing 1; plus strand). Cytogenetic location: 7p22.3.
Variant type: single nucleotide variant.
Coding change: c.362C>T on transcript NM_001130965.3 (MANE Select); coding-DNA position 362, C replaced by T.
Protein change: p.Thr121Ile; replaces threonine 121 with isoleucine.
Molecular consequence: missense variant. On other transcripts: 5 prime UTR variant (4), non-coding transcript variant (3).
Genome position (GRCh38, 1-based): chr7:842,041, C>T. VCF-style: chr7-842041-C-T. GRCh37 (hg19) VCF-style: chr7-881678-C-T.
Other names: c.212C>T, p.Thr71Ile (NM_001367706.1, NM_025154.6, NM_001367636.1 and 24 more transcripts); c.-206C>T (NM_001367708.1, NM_001367639.1); c.362C>T, p.Thr121Ile (NM_001367702.1, NM_001367703.1, NM_001367704.1 and 34 more transcripts); c.425C>T, p.Thr142Ile (NM_001171945.2); c.-96C>T (NM_001367635.1); c.581C>T, p.Thr194Ile (NM_001367651.1); c.-400C>T (NM_001367658.1); c.173C>T, p.Thr58Ile (NM_001367695.1); short protein forms T194I, T58I, T121I, T142I, T71I.
Identifiers: ClinVar variation 4694809 (VCV004694809.1).